The following is an entry in ClinVar:

NM_024809.5(TCTN2):c.961G>A (p.Val321Ile)

Gene: TCTN2 (tectonic family member 2; plus strand). Cytogenetic location: 12q24.31.
Variant type: single nucleotide variant.
Coding change: c.961G>A on transcript NM_024809.5 (MANE Select); coding-DNA position 961, G replaced by A.
Protein change: p.Val321Ile; replaces valine 321 with isoleucine.
Molecular consequence: missense variant.
Genome position (GRCh38, 1-based): chr12:123,690,602, G>A. VCF-style: chr12-123690602-G-A. GRCh37 (hg19) VCF-style: chr12-124175149-G-A.
Other names: c.958G>A, p.Val320Ile (NM_001143850.3); c.961G>A, p.Val321Ile (NM_001410989.1); short protein forms V320I, V321I.
Identifiers: ClinVar variation 2152714 (VCV002152714.4), dbSNP rs531586530, ClinGen allele CA6861054.

ClinVar aggregate classification (germline): Uncertain significance. Review status: criteria provided, multiple submitters, no conflicts (2 of 4 stars). 2 submissions from 2 submitters: Uncertain significance (2). Last evaluated 2024-04-12.

Conditions:
Joubert syndrome 24 (JBTS24). Identifiers: Orphanet 475, MedGen C4084841, MONDO:0014724, OMIM 616654.
Meckel syndrome, type 8. Identifiers: Orphanet 564, MedGen C3836857, MONDO:0013482, OMIM 613885.
Joubert syndrome. Also called: CEREBELLOPARENCHYMAL DISORDER IV; JOUBERT-BOLTSHAUSER SYNDROME; Familial aplasia of the vermis. Identifiers: Orphanet 475, MedGen C5979921, MONDO:0018772.
Meckel-Gruber syndrome. Also called: DYSENCEPHALIA SPLANCHNOCYSTICA; GRUBER SYNDROME; Dysencephalia splachnocystica. Identifiers: Orphanet 564, MedGen C0265215, MONDO:0018921.

Allele frequency attached by ClinVar (database versions not stated): ExAC 0.00003; 1000 Genomes Project 0.00020; 1000 Genomes Project 30x 0.00031.
gnomAD v4.1: 7 of 1,614,120 alleles (0.00043%); highest among the groups gnomAD compares: African/African-American, 0.0013%; no homozygotes.

Submissions (2):

Fulgent Genetics
Classification: Uncertain significance for Meckel syndrome, type 8; Joubert syndrome 24. Last evaluated: 2024-04-12. Review status: criteria provided, single submitter. Criteria: ACMG Guidelines, 2015. Collection method: clinical testing. Allele origin: germline.

Labcorp Genetics (formerly Invitae), Labcorp
Classification: Uncertain significance for Joubert syndrome; Meckel-Gruber syndrome. Last evaluated: 2022-05-09. Review status: criteria provided, single submitter. Criteria: Invitae Variant Classification Sherloc (09022015). Collection method: clinical testing. Allele origin: germline.
Comment: In summary, the available evidence is currently insufficient to determine the role of this variant in disease. Therefore, it has been classified as a Variant of Uncertain Significance. Algorithms developed to predict the effect of missense changes on protein structure and function output the following: SIFT: "Tolerated"; PolyPhen-2: "Benign"; Align-GVGD: "Class C0". The isoleucine amino acid residue is found in multiple mammalian species, which suggests that this missense change does not adversely affect protein function. This variant has not been reported in the literature in individuals affected with TCTN2-related conditions. This variant is present in population databases (rs531586530, gnomAD 0.007%). This sequence change replaces valine, which is neutral and non-polar, with isoleucine, which is neutral and non-polar, at codon 321 of the TCTN2 protein (p.Val321Ile).